The following is an entry in ClinVar:

NM_001191061.2(SLC25A22):c.-41C>T

Gene: SLC25A22 (solute carrier family 25 member 22; minus strand). Cytogenetic location: 11p15.5.
Variant type: single nucleotide variant.
Coding change: c.-41C>T on transcript NM_001191061.2 (MANE Select); 41 bases upstream of the start codon, C replaced by T.
Molecular consequence: 5 prime UTR variant.
Genome position (GRCh38, 1-based): chr11:795,047, G>A on the plus strand (C>T on the coding strand, the complement: SLC25A22 is on the minus strand). VCF-style: chr11-795047-G-A. GRCh37 (hg19) VCF-style: chr11-795047-G-A.
Other names: c.-41C>T (NM_001191060.2, NM_024698.6).
Identifiers: ClinVar variation 378589 (VCV000378589.1), dbSNP rs376603464, ClinGen allele CA5789436.

ClinVar aggregate classification (germline): Benign (1 of 4 stars; one submission).

Allele frequency attached by ClinVar (database versions not stated): gnomAD 0.00006 and 0.00003; ExAC 0.00016; ESP Exome Variant Server 0.00008; TOPMed 0.00012 and 0.00009; gnomAD exomes 0.00021.

Submission:

GeneDx
Classification: Benign. Last evaluated: 2015-09-21. Review status: criteria provided, single submitter. Criteria: GeneDx Variant Classification (06012015). Collection method: clinical testing. Allele origin: germline. Affected: yes.
Comment: This variant is considered likely benign or benign based on one or more of the following criteria: it is a conservative change, it occurs at a poorly conserved position in the protein, it is predicted to be benign by multiple in silico algorithms, and/or has population frequency not consistent with disease.